The following is an entry in ClinVar:

ClinVar aggregate classification (germline): Uncertain significance (1 of 4 stars; one submission).

Allele frequency attached by ClinVar (database versions not stated): ExAC 0.00001; ESP Exome Variant Server 0.00009.

Submission:

Labcorp Genetics (formerly Invitae), Labcorp
Classification: Uncertain significance. Last evaluated: 2023-02-22. Review status: criteria provided, single submitter. Criteria: Invitae Variant Classification Sherloc (09022015). Collection method: clinical testing. Allele origin: germline.
Comment: In summary, the available evidence is currently insufficient to determine the role of this variant in disease. Therefore, it has been classified as a Variant of Uncertain Significance. Advanced modeling of protein sequence and biophysical properties (such as structural, functional, and spatial information, amino acid conservation, physicochemical variation, residue mobility, and thermodynamic stability) performed at Invitae indicates that this missense variant is not expected to disrupt GRIA3 protein function. This variant has not been reported in the literature in individuals affected with GRIA3-related conditions. This variant is present in population databases (rs141929123, gnomAD 0.008%). This sequence change replaces isoleucine, which is neutral and non-polar, with valine, which is neutral and non-polar, at codon 226 of the GRIA3 protein (p.Ile226Val).

NM_007325.5(GRIA3):c.676A>G (p.Ile226Val)

Gene: GRIA3 (glutamate ionotropic receptor AMPA type subunit 3; plus strand). Cytogenetic location: Xq25.
Variant type: single nucleotide variant.
Coding change: c.676A>G on transcript NM_007325.5 (MANE Select); coding-DNA position 676, A replaced by G.
Protein change: p.Ile226Val; replaces isoleucine 226 with valine.
Molecular consequence: missense variant.
Genome position (GRCh38, 1-based): chrX:123,326,193, A>G. VCF-style: chrX-123326193-A-G. GRCh37 (hg19) VCF-style: chrX-122460044-A-G.
Other names: c.676A>G, p.Ile226Val (NM_000828.5); short protein forms I226V.
Identifiers: ClinVar variation 2840000 (VCV002840000.3), dbSNP rs141929123, ClinGen allele CA10506927.